The following is an entry in ClinVar:

ClinVar aggregate classification (germline): Benign (0 of 4 stars; one submission).

Conditions:
DLGAP1-related disorder. Also called: DLGAP1-related condition.

Allele frequency attached by ClinVar (database versions not stated): gnomAD exomes 0.01780; ExAC 0.01789; 1000 Genomes Project 0.01957; 1000 Genomes Project 30x 0.02030; ESP Exome Variant Server 0.02230; TOPMed 0.02275; gnomAD 0.02276.
gnomAD v4.1: 29,533 of 1,614,126 alleles (1.8%); highest among the groups gnomAD compares: African/African-American, 3.8%; 346 homozygotes.

Submission:

PreventionGenetics, part of Exact Sciences
Classification: Benign for DLGAP1-related condition. Last evaluated: 2019-02-20. Review status: no assertion criteria provided. Collection method: clinical testing. Allele origin: germline.
Comment: This variant is classified as benign based on ACMG/AMP sequence variant interpretation guidelines (Richards et al. 2015 PMID: 25741868, with internal and published modifications).

NM_004746.4(DLGAP1):c.2349C>T (p.Ala783=)

Gene: DLGAP1 (DLG associated protein 1; minus strand). Cytogenetic location: 18p11.31.
Variant type: single nucleotide variant.
Coding change: c.2349C>T on transcript NM_004746.4 (MANE Select); coding-DNA position 2349, C replaced by T.
Protein change: p.Ala783=; no amino-acid change (alanine 783 retained).
Molecular consequence: synonymous variant.
Genome position (GRCh38, 1-based): chr18:3,534,324, G>A on the plus strand (C>T on the coding strand, the complement: DLGAP1 is on the minus strand). VCF-style: chr18-3534324-G-A. GRCh37 (hg19) VCF-style: chr18-3534322-G-A.
Other names: c.1443C>T, p.Ala481= (NM_001003809.3, NM_001242765.2); c.2349C>T, p.Ala783= (NM_001242761.2, NM_001398527.1); c.1401C>T, p.Ala467= (NM_001242762.2); c.1515C>T, p.Ala505= (NM_001242763.2, NM_001398539.1); c.1467C>T, p.Ala489= (NM_001242764.2, NM_001398545.1); c.1473C>T, p.Ala491= (NM_001242766.2, NM_001398534.1, NM_001398543.1 and 1 more transcripts); c.1497C>T, p.Ala499= (NM_001308390.2, NM_001398541.1); c.2379C>T, p.Ala793= (NM_001398525.1, NM_001398526.1, NM_001398528.1); and 8 more.
Identifiers: ClinVar variation 3056276 (VCV003056276.2), dbSNP rs35715722, ClinGen allele CA8876155.
Genomic context (GRCh38, chr18:3,534,324, plus strand): 5'-CTCTGCCTGGAGAAGCTTCAGGAACCAGTGGCCATCCCGGTGGCACACTGACCTTTGCAC[G>A]GCCTCCAGAGGGTCTTCAGTGATAGAGTCAATCCAGGGGTCCGGAGGAGGCAGAATAGAG-3'
Protein context (NP_004737.2, residues 773-793): IDSITEDPLE[Ala783=]VQRSVCHRDG